The following is an entry in ClinVar:

NM_181882.3(PRX):c.-199+7G>A

Gene: PRX (periaxin; minus strand). Cytogenetic location: 19q13.2.
Variant type: single nucleotide variant.
Coding change: c.-199+7G>A on transcript NM_181882.3 (MANE Select); 7 bases into the intron after 199 bases upstream of the start codon, G replaced by A.
Molecular consequence: intron variant.
Genome position (GRCh38, 1-based): chr19:40,408,333, C>T on the plus strand (G>A on the coding strand, the complement: PRX is on the minus strand). VCF-style: chr19-40408333-C-T. GRCh37 (hg19) VCF-style: chr19-40914240-C-T.
Other names: c.-199+7G>A (NM_020956.2).
Identifiers: ClinVar variation 682181 (VCV000682181.7), dbSNP rs541213273, ClinGen allele CA308427719.

ClinVar aggregate classification (germline): Likely benign. Review status: criteria provided, multiple submitters, no conflicts (2 of 4 stars). 2 submissions from 2 submitters: Likely benign (2). Last evaluated 2025-10-01.

Allele frequency attached by ClinVar (database versions not stated): TOPMed 0.00018.
gnomAD v4.1: 67 of 368,442 alleles (0.018%); highest among the groups gnomAD compares: Non-Finnish European, 0.031%; no homozygotes.

Submissions (2):

CeGaT Center for Human Genetics Tuebingen
Classification: Likely benign. Last evaluated: 2025-10-01. Review status: criteria provided, single submitter. Criteria: CeGaT Center For Human Genetics Tuebingen Variant Classification Criteria Version 2. Collection method: clinical testing. Allele origin: germline. Affected: yes. Observed: 1 variant allele.
Comment: PRX: BP4

GeneDx
Classification: Likely benign. Last evaluated: 2018-04-18. Review status: criteria provided, single submitter. Criteria: GeneDx Variant Classification (06012015). Collection method: clinical testing. Allele origin: germline. Affected: yes.
Comment: This variant is considered likely benign or benign based on one or more of the following criteria: it is a conservative change, it occurs at a poorly conserved position in the protein, it is predicted to be benign by multiple in silico algorithms, and/or has population frequency not consistent with disease.